The following is an entry in ClinVar:

NM_024426.6(WT1):c.1161A>T (p.Ala387=)

Gene: WT1 (WT1 transcription factor; minus strand). Cytogenetic location: 11p13.
Variant type: single nucleotide variant.
Coding change: c.1161A>T on transcript NM_024426.6 (MANE Select); coding-DNA position 1161, A replaced by T.
Protein change: p.Ala387=; no amino-acid change (alanine 387 retained).
Molecular consequence: synonymous variant. On other transcripts: 5 prime UTR variant (1), non-coding transcript variant (2).
Genome position (GRCh38, 1-based): chr11:32,396,360, T>A on the plus strand (A>T on the coding strand, the complement: WT1 is on the minus strand). VCF-style: chr11-32396360-T-A. GRCh37 (hg19) VCF-style: chr11-32417906-T-A.
Other names: c.1146A>T (NM_024426.4); c.1110A>T, p.Ala370= (NM_000378.6, NM_001407045.1, NM_001407048.1 and 1 more transcripts); c.510A>T, p.Ala170= (NM_001198551.2); c.459A>T, p.Ala153= (NM_001198552.2); c.-28A>T (NM_001367854.1); c.1155A>T, p.Ala385= (NM_001407044.1); c.1161A>T, p.Ala387= (NM_001407046.1, NM_024424.5); c.1038A>T, p.Ala346= (NM_001407047.1); and 3 more.
Identifiers: ClinVar variation 1079307 (VCV001079307.12), dbSNP rs141834493, ClinGen allele CA473567133.

ClinVar aggregate classification (germline): Likely benign. Review status: criteria provided, multiple submitters, no conflicts (2 of 4 stars). 3 submissions from 3 submitters: Likely benign (3). Last evaluated 2026-06-15.

Conditions:
Frasier syndrome. Identifiers: Orphanet 347, MedGen C0950122, MeSH D052159, MONDO:0007635, OMIM 136680.
Wilms tumor 1 (WT1). Also called: Wilms tumor, somatic. Identifiers: Orphanet 654, MedGen CN033288, MONDO:0008679, OMIM 194070.
11p partial monosomy syndrome (WAGR). Also called: WAGR Spectrum Disorder; CHROMOSOME 11p13 DELETION SYNDROME; WAGR syndrome; WAGR Complex. Identifiers: Orphanet 893, MedGen C0206115, MONDO:0008681, OMIM 194072.
Drash syndrome (DDS). Also called: NEPHROPATHY, WILMS TUMOR, AND GENITAL ANOMALIES; WILMS TUMOR AND PSEUDO- OR TRUE HERMAPHRODITISM. Identifiers: Orphanet 220, MedGen C0950121, MONDO:0008682, OMIM 194080.
Inborn genetic diseases. Identifiers: MedGen C0950123, MeSH D030342.

gnomAD v4.1: 2 of 1,614,206 alleles (0.00012%); highest among the groups gnomAD compares: Non-Finnish European, 0.00017%; no homozygotes.

Submissions (3):

Ambry Genetics
Classification: Likely benign for Inborn genetic diseases. Last evaluated: 2026-06-15. Review status: criteria provided, single submitter. Criteria: Ambry Variant Classification Scheme 2023. Collection method: clinical testing. Allele origin: germline.

All of Us Research Program, National Institutes of Health
Classification: Likely benign for Wilms tumor 1. Last evaluated: 2024-08-13. Review status: criteria provided, single submitter. Criteria: ACMG Guidelines, 2015. Collection method: clinical testing. Allele origin: germline. Inheritance: Autosomal dominant inheritance. Observed: 1 variant allele, 1 heterozygote.
Comment: This study involves interpretation of variants in research participants for the purpose of population health screening. Participant phenotype was not available at the time of variant classification. Additional details can be found in publication PMID: 35346344, PMCID: PMC8962531

Labcorp Genetics (formerly Invitae), Labcorp
Classification: Likely benign for Wilms tumor 1; Drash syndrome; 11p partial monosomy syndrome; Frasier syndrome. Last evaluated: 2023-11-13. Review status: criteria provided, single submitter. Criteria: Invitae Variant Classification Sherloc (09022015). Collection method: clinical testing. Allele origin: germline.